The following is an entry in ClinVar:

ClinVar aggregate classification (germline): Likely benign (1 of 4 stars; one submission).

gnomAD v4.1: 1 of 1,613,712 alleles (0.000062%); no homozygotes.

Submission:

Mayo Clinic Laboratories, Mayo Clinic
Classification: Likely benign. Last evaluated: 2025-09-15. Review status: criteria provided, single submitter. Criteria: ACMG Guidelines, 2015. Collection method: clinical testing. Allele origin: germline. Observed: 1 variant allele.
Comment: BP4, BP7

NM_004082.5(DCTN1):c.3651C>T (p.Ala1217=)

Gene: DCTN1 (dynactin subunit 1; minus strand). Cytogenetic location: 2p13.1.
Variant type: single nucleotide variant.
Coding change: c.3651C>T on transcript NM_004082.5 (MANE Select); coding-DNA position 3651, C replaced by T.
Protein change: p.Ala1217=; no amino-acid change (alanine 1217 retained).
Molecular consequence: synonymous variant. On other transcripts: non-coding transcript variant (1).
Genome position (GRCh38, 1-based): chr2:74,362,100, G>A on the plus strand (C>T on the coding strand, the complement: DCTN1 is on the minus strand). VCF-style: chr2-74362100-G-A. GRCh37 (hg19) VCF-style: chr2-74589227-G-A.
Other names: p.Ala1217=; c.3576C>T, p.Ala1192= (NM_001135040.3); c.3234C>T, p.Ala1078= (NM_001135041.3); c.3525C>T, p.Ala1175= (NM_001190836.2); c.3630C>T, p.Ala1210= (NM_001190837.2); c.3600C>T, p.Ala1200= (NM_001378991.1); c.3582C>T, p.Ala1194= (NM_001378992.1); c.3249C>T, p.Ala1083= (NM_023019.4).
Identifiers: ClinVar variation 4684578 (VCV004684578.1).